The following is an entry in ClinVar:

NM_004360.5(CDH1):c.1245A>G (p.Ile415Met)

Gene: CDH1 (cadherin 1; plus strand). Cytogenetic location: 16q22.1.
Variant type: single nucleotide variant.
Coding change: c.1245A>G on transcript NM_004360.5 (MANE Select); coding-DNA position 1245, A replaced by G.
Protein change: p.Ile415Met; replaces isoleucine 415 with methionine.
Molecular consequence: missense variant. On other transcripts: 5 prime UTR variant (2), intron variant (1).
Genome position (GRCh38, 1-based): chr16:68,813,420, A>G. VCF-style: chr16-68813420-A-G. GRCh37 (hg19) VCF-style: chr16-68847323-A-G.
Other names: c.-371A>G (NM_001317185.2); c.-575A>G (NM_001317186.2); c.1137+1157A>G (NM_001317184.2); short protein forms I415M.
Identifiers: ClinVar variation 818691 (VCV000818691.4), dbSNP rs1597896016, ClinGen allele CA396461551.
Genomic context (GRCh38, chr16:68,813,420, plus strand): 5'-ACTGAAAGTGACTGATGCTGATGCCCCCAATACCCCAGCGTGGGAGGCTGTATACACCAT[A>G]TTGAATGATGATGGTGGACAATTTGTCGTCACCACAAATCCAGTGAACAACGATGGCATT-3'
Protein context (NP_004351.1, residues 405-425): NTPAWEAVYT[Ile415Met]LNDDGGQFVV

ClinVar aggregate classification (germline): Uncertain significance (1 of 4 stars; one submission).

Conditions:
Hereditary cancer-predisposing syndrome. Also called: Tumor predisposition; Hereditary neoplastic syndrome; Neoplastic Syndromes, Hereditary; Hereditary Cancer Syndrome. Identifiers: Orphanet 140162, MedGen C0027672, MeSH D009386, MONDO:0015356.

Allele frequency attached by ClinVar (database versions not stated): gnomAD exomes below 0.00001.
gnomAD v4.1: 1 of 1,613,866 alleles (0.000062%); highest among the groups gnomAD compares: Non-Finnish European, 0.000085%; no homozygotes.

Submission:

Ambry Genetics
Classification: Uncertain significance for Hereditary cancer-predisposing syndrome. Last evaluated: 2019-09-13. Review status: criteria provided, single submitter. Criteria: Ambry Variant Classification Scheme 2023. Collection method: clinical testing. Allele origin: germline.
Comment: The p.I415M variant (also known as c.1245A>G), located in coding exon 9 of the CDH1 gene, results from an A to G substitution at nucleotide position 1245. The isoleucine at codon 415 is replaced by methionine, an amino acid with highly similar properties. This amino acid position is not well conserved in available vertebrate species. In addition, this alteration is predicted to be tolerated by in silico analysis. Since supporting evidence is limited at this time, the clinical significance of this alteration remains unclear.